The following is an entry in ClinVar:

NM_032119.4(ADGRV1):c.9594G>A (p.Gly3198=)

Gene: ADGRV1 (adhesion G protein-coupled receptor V1; plus strand). Cytogenetic location: 5q14.3.
Variant type: single nucleotide variant.
Coding change: c.9594G>A on transcript NM_032119.4 (MANE Select); coding-DNA position 9594, G replaced by A.
Protein change: p.Gly3198=; no amino-acid change (glycine 3198 retained).
Molecular consequence: synonymous variant. On other transcripts: non-coding transcript variant (1).
Genome position (GRCh38, 1-based): chr5:90,720,194, G>A. VCF-style: chr5-90720194-G-A. GRCh37 (hg19) VCF-style: chr5-90016011-G-A.
Other names: c.9594G>A (NM_032119.3).
Identifiers: ClinVar variation 1120895 (VCV001120895.11), dbSNP rs763440161, ClinGen allele CA3340538.
Genomic context (GRCh38, chr5:90,720,194, plus strand): 5'-TAGACTAGGGGTGCATGTTCAAACCCTGATAACAGTTTTGCAAAACCAGGCCCCTTTGGG[G>A]CTATTCAGTATCTCTGCAGTTGAAAATAGGTATAGTTTATTCATAAGGAAATTATCACTT-3'
Protein context (NP_115495.3, residues 3188-3208): ITVLQNQAPL[Gly3198=]LFSISAVENR

ClinVar aggregate classification (germline): Likely benign. Review status: criteria provided, multiple submitters, no conflicts (2 of 4 stars). 3 submissions from 3 submitters: Likely benign (3). Last evaluated 2025-12-28.

Conditions:
ADGRV1-related disorder. Also called: ADGRV1-related condition; ADGRV1-related disorders.

Allele frequency attached by ClinVar (database versions not stated): ExAC 0.00001; gnomAD 0.00002; TOPMed 0.00002; gnomAD exomes 0.00003 and 0.00007.
gnomAD v4.1: 95 of 1,597,860 alleles (0.0059%); highest among the groups gnomAD compares: Non-Finnish European, 0.0079%; no homozygotes.

Submissions (3):

Labcorp Genetics (formerly Invitae), Labcorp
Classification: Likely benign. Last evaluated: 2025-12-28. Review status: criteria provided, single submitter. Criteria: Invitae Variant Classification Sherloc (09022015). Collection method: clinical testing. Allele origin: germline.

PreventionGenetics, part of Exact Sciences
Classification: Likely benign for ADGRV1-related condition. Last evaluated: 2025-09-21. Review status: criteria provided, single submitter. Criteria: ACMG Guidelines, 2015. Collection method: clinical testing. Allele origin: germline.
Comment: This variant is classified as likely benign based on ACMG/AMP sequence variant interpretation guidelines (Richards et al. 2015 PMID: 25741868, with internal and published modifications).

Blueprint Genetics
Classification: Likely benign. Last evaluated: 2021-10-08. Review status: criteria provided, single submitter. Criteria: ACMG Guidelines, 2015. Collection method: clinical testing. Allele origin: germline.